The following is an entry in ClinVar:

ClinVar aggregate classification (germline): Uncertain significance. Review status: criteria provided, multiple submitters, no conflicts (2 of 4 stars). 3 submissions from 3 submitters: Uncertain significance (3). Last evaluated 2025-07-28.

Conditions:
Inborn genetic diseases. Identifiers: MedGen C0950123, MeSH D030342.

Allele frequency attached by ClinVar (database versions not stated): gnomAD exomes 0.00001; TOPMed 0.00001; gnomAD 0.00002; ExAC 0.00004.
gnomAD v4.1: 22 of 1,613,952 alleles (0.0014%); highest among the groups gnomAD compares: African/African-American, 0.0013%; no homozygotes.

Submissions (3):

GeneDx
Classification: Uncertain significance. Last evaluated: 2025-07-28. Review status: criteria provided, single submitter. Criteria: GeneDx Variant Classification Process June 2021. Collection method: clinical testing. Allele origin: germline.
Comment: In silico analysis supports that this missense variant has a deleterious effect on protein structure/function; Reported in association with autism (PMID: 35190550) but has not been previously published as pathogenic or benign in association with TEK-related disorders to our knowledge; This variant is associated with the following publications: (PMID: 35190550)

Blueprint Genetics
Classification: Uncertain significance. Last evaluated: 2024-01-16. Review status: criteria provided, single submitter. Criteria: ACMG Guidelines, 2015. Collection method: clinical testing. Allele origin: germline.

Ambry Genetics
Classification: Uncertain significance for Inborn genetic diseases. Last evaluated: 2021-06-22. Review status: criteria provided, single submitter. Criteria: Ambry Variant Classification Scheme 2023. Collection method: clinical testing. Allele origin: germline.

NM_000459.5(TEK):c.2833G>A (p.Ala945Thr)

Gene: TEK (TEK receptor tyrosine kinase; plus strand). Cytogenetic location: 9p21.2.
Variant type: single nucleotide variant.
Coding change: c.2833G>A on transcript NM_000459.5 (MANE Select); coding-DNA position 2833, G replaced by A.
Protein change: p.Ala945Thr; replaces alanine 945 with threonine.
Molecular consequence: missense variant.
Genome position (GRCh38, 1-based): chr9:27,212,853, G>A. VCF-style: chr9-27212853-G-A. GRCh37 (hg19) VCF-style: chr9-27212851-G-A.
Other names: c.2704G>A, p.Ala902Thr (NM_001290077.2); c.2389G>A, p.Ala797Thr (NM_001290078.2); c.2830G>A, p.Ala944Thr (NM_001375475.1); c.2701G>A, p.Ala901Thr (NM_001375476.1); short protein forms A944T, A797T, A901T, A945T, A902T.
Identifiers: ClinVar variation 2229180 (VCV002229180.4), dbSNP rs760084463, ClinGen allele CA5016595.